The following is an entry in ClinVar:

ClinVar aggregate classification (germline): Pathogenic. Review status: reviewed by expert panel (3 of 4 stars). 12 submissions from 12 submitters: Pathogenic (1). 11 of the submissions do not count toward it. Last evaluated 2018-12-22.

Conditions:
Inborn genetic diseases. Identifiers: MedGen C0950123, MeSH D030342.
Phenylketonuria (PKU). Also called: Phenylketonuria (PKU); FOLLING DISEASE; OLIGOPHRENIA PHENYLPYRUVICA; Phenylketonurias. Identifiers: Orphanet 716, MedGen C0031485, MONDO:0009861, OMIM 261600. Disease mechanism: loss of function.

Allele frequency attached by ClinVar (database versions not stated): TOPMed 0.00001; gnomAD 0.00001; ESP Exome Variant Server 0.00008.

Submissions (12):

ClinGen PAH Variant Curation Expert Panel
Classification: Pathogenic for Phenylketonuria. Last evaluated: 2018-12-22. Review status: reviewed by expert panel. Criteria: ClinGen PAH ACMG Specifications v1. Collection method: curation. Allele origin: germline. Inheritance: Autosomal recessive inheritance.
Comment: The c.441+1G>A variant in PAH is a canonical splice variant in +1 splice site (exon 3/4 junction) in the canonical transcript of PAH, a gene fulfilling the most recent criteria for LOF being a known disease mechanism (PVS1; see PVS1: Recommendations for Interpreting the Loss of Function PVS1 ACMG/AMP Variant Criteria). In addition, the variant has been previously shown by RT-PCR analysis to alter RNA splicing (PS3_Supporting; PMID: 8535445). It is ultra-rare (highest observed population frequency 0.00001, with zero homozygotes, in gnomAD Non-Finnish European subpopulation), well under the PAH-specific frequency cutoff of 0.0002 (PM2). It has been found in multiple probands with classic PKU (e.g., PMID: 7726156, 8535445, 16256386, 17096675, 20187763, 22112818, 24350308, 23430918, 23764561, 8535445), although BH4 deficiency does not appear to have been formally excluded (PP4), including in trans with the Clinvar-Pathogenic R408W allele (PMID: 22112818) (PM3).

Labcorp Genetics (formerly Invitae), Labcorp
Classification: Pathogenic for Phenylketonuria. Last evaluated: 2025-12-31. Review status: criteria provided, single submitter. Criteria: Invitae Variant Classification Sherloc (09022015). Collection method: clinical testing. Allele origin: germline. Not counted in ClinVar's aggregate classification.
Comment: This sequence change affects a donor splice site in intron 4 of the PAH gene. RNA analysis indicates that disruption of this splice site induces altered splicing and may result in an absent or altered protein product. This variant is present in population databases (rs62517166, gnomAD 0.0009%). Disruption of this splice site has been observed in individual(s) with PAH-related conditions (PMID: 7726156, 8535445, 16256386, 17096675, 20187763, 22112818, 24350308). This variant is also known as IVS4+1G>A. ClinVar contains an entry for this variant (Variation ID: 102671). Studies have shown that disruption of this splice site results in skipping of exon 4, and produces a non-functional protein and/or introduces a premature termination codon (PMID: 8535445). For these reasons, this variant has been classified as Pathogenic.

GeneDx
Classification: Pathogenic. Last evaluated: 2024-07-17. Review status: criteria provided, single submitter. Criteria: GeneDx Variant Classification Process June 2021. Collection method: clinical testing. Allele origin: germline. Affected: yes. Not counted in ClinVar's aggregate classification.
Comment: Identified in patients with PAH deficiency previously tested at GeneDx and in published literature who harbored a second variant of unknown phase or the second PAH variant was not specifically described (PMID: 17096675, 16256386, 22841515, 23430918, 22112818, 23357515); Canonical splice site variant predicted to result in a null allele in a gene for which loss of function is a known mechanism of disease; Not observed at significant frequency in large population cohorts (gnomAD); This variant is associated with the following publications: (PMID: 22841515, 25087612, 8535445, 23430918, 23357515, 22112818, 16256386, 26600521, 34426522, 32778825, 34738359, 36646061, 32668217, 7726156, 20187763, 24350308, 23764561, 17096675)

Natera, Inc.
Classification: Pathogenic for Phenylketonuria. Last evaluated: 2024-05-02. Review status: criteria provided, single submitter. Criteria: Natera Variant Classification Schema (03/2026). Collection method: clinical testing. Allele origin: germline. Not counted in ClinVar's aggregate classification.
Comment: The c.441+1G>A variant in PAH is a canonical splice donor site variant predicted to affect pre-mRNA splicing, which may result in an abnormal transcript and altered protein product. This variant is expected to result in nonsense mediated decay, truncation, or a dysfunctional protein product. This variant is rare in the general population with a frequency below the threshold expected for the associated phenotype(s). This variant has been observed in one or more individuals affected with the associated recessive disease, as either homozygous or compound heterozygous with a second variant (PMID: 30050108). Given the available evidence, this variant is classified as Pathogenic.

Mayo Clinic Laboratories, Mayo Clinic
Classification: Pathogenic. Last evaluated: 2023-11-01. Review status: criteria provided, single submitter. Criteria: ACMG Guidelines, 2015. Collection method: clinical testing. Allele origin: germline. Observed: 1 variant allele. Not counted in ClinVar's aggregate classification.
Comment: PP4, PM2_moderate, PM3, PS3_moderate, PVS1

Revvity Omics, Revvity
Classification: Pathogenic for Phenylketonuria. Last evaluated: 2022-04-01. Review status: criteria provided, single submitter. Criteria: ACMG Guidelines, 2015. Collection method: clinical testing. Allele origin: germline. Not counted in ClinVar's aggregate classification.

Fulgent Genetics
Classification: Pathogenic for Phenylketonuria. Last evaluated: 2022-02-15. Review status: criteria provided, single submitter. Criteria: ACMG Guidelines, 2015. Collection method: clinical testing. Allele origin: unknown. Not counted in ClinVar's aggregate classification.

Ambry Genetics
Classification: Pathogenic for Inborn genetic diseases. Last evaluated: 2022-01-12. Review status: criteria provided, single submitter. Criteria: Ambry Variant Classification Scheme 2023. Collection method: clinical testing. Allele origin: germline. Not counted in ClinVar's aggregate classification.
Comment: The c.441+1G>A intronic variant results from a G to A substitution one nucleotide after coding exon 4 of the PAH gene. Alterations that disrupt the canonical splice site are expected to cause aberrant splicing, resulting in an abnormal protein or a transcript that is subject to nonsense-mediated mRNA decay. Based on data from gnomAD, the A allele has an overall frequency of <0.01% (1/251482) total alleles studied. The highest observed frequency was <0.01% (1/113762) of European (non-Finnish) alleles. The c.441+1G>A alteration (also described as IVS4+1G>A in the literature) has been reported in multiple patients with phenylalanine hydroxylase deficiency in the compound heterozygous state with various second alterations (Ramus, 1995; Song, 2005; Bonyadi, 2010; Quirk, 2012; Utz, 2012). In addition, several other alterations affecting the same splice site have also been described in affected patients (Hillert, 2020). This nucleotide position is highly conserved in available vertebrate species. In silico splice site analysis predicts that this alteration will weaken the native splice donor site. Based on the available evidence, this alteration is classified as pathogenic.

Myriad Genetics, Inc.
Classification: Pathogenic for Phenylketonuria. Last evaluated: 2021-11-08. Review status: criteria provided, single submitter. Criteria: Myriad Women's Health Autosomal Recessive and X-Linked Classification Criteria (2021). Collection method: clinical testing. Allele origin: unknown. Not counted in ClinVar's aggregate classification.
Comment: NM_000277.1(PAH):c.441+1G>A is a canonical splice variant classified as pathogenic in the context of phenylalanine hydroxylase deficiency. Please note c.441+1G>A is associated with classic PKU. c.441+1G>A has been observed in cases with relevant disease (PMID: 32668217). Functional assessments of this variant are not available in the literature. c.441+1G>A has been observed in population frequency databases (gnomAD: NFE 0.001%). In summary, NM_000277.1(PAH):c.441+1G>A is a canonical splice variant in a gene where loss of function is a known mechanism of disease, is predicted to disrupt protein function, and has been observed more frequently in cases with the relevant disease than in healthy populations. Please note: this variant was assessed in the context of healthy population screening.

Women's Health and Genetics/Laboratory Corporation of America, LabCorp
Classification: Pathogenic for Phenylketonuria. Last evaluated: 2016-07-18. Review status: criteria provided, single submitter. Criteria: LabCorp Variant Classification Summary - May 2015. Collection method: clinical testing. Allele origin: germline. Not counted in ClinVar's aggregate classification.
Comment: Variant summary: The PAH c.441+1G>A variant is located at a conserved intronic position, known to affect splicing, with 5/5 splice prediction tools predicting a significant effect on splicing. The variant of interest was observed in the large, broad control population, ExAC, with an allele frequency of 1/121412, which does not exceed the estimated maximal expected allele frequency for a pathogenic PAH variant of 1/126. Multiple publications cite the variant in affected individuals, along with multiple reputable databases/clinical laboratories classify the variant as "pathogenic." Therefore, the variant of interest has been classified as Pathogenic.

Eurofins Ntd Llc (ga)
Classification: Pathogenic. Last evaluated: 2014-11-06. Review status: criteria provided, single submitter. Criteria: EGL Classification Definitions 2015. Collection method: clinical testing. Allele origin: germline. Observed: 3 variant alleles, 3 heterozygotes. Not counted in ClinVar's aggregate classification.

DeBelle Laboratory for Biochemical Genetics, MUHC/MCH RESEARCH INSTITUTE
No classification provided. Review status: no classification provided. Collection method: not provided. Allele origin: not provided. Not counted in ClinVar's aggregate classification.

Literature cited by the submitters: PubMed 22112818 (cited by 4 submitters); PubMed 8535445 (cited by 5 submitters); PubMed 1998345 (cited by ClinGen PAH Variant Curation Expert Panel); PubMed 26503515 (cited by ClinGen PAH Variant Curation Expert Panel and Women's Health and Genetics/Laboratory Corporation of America, LabCorp); PubMed 7726156 (cited by Labcorp Genetics (formerly Invitae), Labcorp and Mayo Clinic Laboratories, Mayo Clinic); PubMed 16256386 (cited by 4 submitters); PubMed 17096675 (cited by 3 submitters); PubMed 20187763 (cited by 3 submitters); PubMed 24350308 (cited by Labcorp Genetics (formerly Invitae), Labcorp and Mayo Clinic Laboratories, Mayo Clinic); PubMed 30050108 (cited by Natera, Inc.); PubMed 22841515 (cited by 3 submitters); PubMed 23357515 (cited by Mayo Clinic Laboratories, Mayo Clinic and Women's Health and Genetics/Laboratory Corporation of America, LabCorp); PubMed 23430918 (cited by Mayo Clinic Laboratories, Mayo Clinic); PubMed 23764561 (cited by Mayo Clinic Laboratories, Mayo Clinic and Women's Health and Genetics/Laboratory Corporation of America, LabCorp); PubMed 32668217 (cited by Ambry Genetics and Myriad Genetics, Inc.); PubMed 12655553 (cited by Women's Health and Genetics/Laboratory Corporation of America, LabCorp).

NM_000277.3(PAH):c.441+1G>A

Gene: PAH (phenylalanine hydroxylase; minus strand). Cytogenetic location: 12q23.2.
Variant type: single nucleotide variant.
Coding change: c.441+1G>A on transcript NM_000277.3 (MANE Select); the canonical splice donor site of the intron after coding-DNA position 441, G replaced by A.
Molecular consequence: splice donor variant.
Genome position (GRCh38, 1-based): chr12:102,877,461, C>T on the plus strand (G>A on the coding strand, the complement: PAH is on the minus strand). VCF-style: chr12-102877461-C-T. GRCh37 (hg19) VCF-style: chr12-103271239-C-T.
Other names: c.441+1G>A (NM_000277.2, NM_001354304.2).
Identifiers: ClinVar variation 102671 (VCV000102671.33), dbSNP rs62517166, ClinGen allele CA229545.